The following is an entry in ClinVar:

NM_000553.6(WRN):c.2023G>A (p.Glu675Lys)

Gene: WRN (WRN RecQ like helicase; plus strand). Cytogenetic location: 8p12.
Variant type: single nucleotide variant.
Coding change: c.2023G>A on transcript NM_000553.6 (MANE Select); coding-DNA position 2023, G replaced by A.
Protein change: p.Glu675Lys; replaces glutamic acid 675 with lysine.
Molecular consequence: missense variant.
Genome position (GRCh38, 1-based): chr8:31,100,890, G>A. VCF-style: chr8-31100890-G-A. GRCh37 (hg19) VCF-style: chr8-30958406-G-A.
Other names: short protein forms E675K.
Identifiers: ClinVar variation 2015866 (VCV002015866.4), dbSNP rs758232075, ClinGen allele CA370908457.

ClinVar aggregate classification (germline): Uncertain significance (1 of 4 stars; one submission).

Conditions:
Werner syndrome (WRN). Identifiers: Orphanet 902, MedGen C0043119, MONDO:0010196, OMIM 277700.

Submission:

Labcorp Genetics (formerly Invitae), Labcorp
Classification: Uncertain significance for Werner syndrome. Last evaluated: 2022-07-11. Review status: criteria provided, single submitter. Criteria: Invitae Variant Classification Sherloc (09022015). Collection method: clinical testing. Allele origin: germline.
Comment: Algorithms developed to predict the effect of missense changes on protein structure and function are either unavailable or do not agree on the potential impact of this missense change (SIFT: "Not Available"; PolyPhen-2: "Probably Damaging"; Align-GVGD: "Not Available"). This variant has not been reported in the literature in individuals affected with WRN-related conditions. This variant is not present in population databases (gnomAD no frequency). This sequence change replaces glutamic acid, which is acidic and polar, with lysine, which is basic and polar, at codon 675 of the WRN protein (p.Glu675Lys). In summary, the available evidence is currently insufficient to determine the role of this variant in disease. Therefore, it has been classified as a Variant of Uncertain Significance.